The following is an entry in ClinVar:

NM_201253.3(CRB1):c.757G>A (p.Gly253Arg)

Gene: CRB1 (crumbs cell polarity complex component 1; plus strand). Cytogenetic location: 1q31.3.
Variant type: single nucleotide variant.
Coding change: c.757G>A on transcript NM_201253.3 (MANE Select); coding-DNA position 757, G replaced by A.
Protein change: p.Gly253Arg; replaces glycine 253 with arginine.
Molecular consequence: missense variant. On other transcripts: non-coding transcript variant (2), intron variant (1).
Genome position (GRCh38, 1-based): chr1:197,344,385, G>A. VCF-style: chr1-197344385-G-A. GRCh37 (hg19) VCF-style: chr1-197313515-G-A.
Other names: c.550G>A, p.Gly184Arg (NM_001257965.2); c.757G>A, p.Gly253Arg (NM_001257966.2); c.653-12446G>A (NM_001193640.2); short protein forms G253R, G184R.
Identifiers: ClinVar variation 1927623 (VCV001927623.4), dbSNP rs114913030, ClinGen allele CA344083329.

ClinVar aggregate classification (germline): Uncertain significance. Review status: criteria provided, multiple submitters, no conflicts (2 of 4 stars). 3 submissions from 3 submitters: Uncertain significance (3). Last evaluated 2025-11-26.

Conditions:
Leber congenital amaurosis 8 (LCA8). Identifiers: Orphanet 65, MedGen C3151202, MONDO:0013453, OMIM 613835.
Retinitis pigmentosa 12 (RP12). Also called: RP WITH OR WITHOUT PRESERVED PARAARTERIOLE RETINAL PIGMENT EPITHELIUM; RETINITIS PIGMENTOSA WITH OR WITHOUT PARAARTERIOLAR PRESERVATION OF RETINAL PIGMENT EPITHELIUM; RP WITH OR WITHOUT PPRPE. Identifiers: Orphanet 791, MedGen C1838647, MONDO:0010818, OMIM 600105.
CRB1-related disorder. Also called: CRB1-related disorders; CRB1-related condition.
Retinal dystrophy. Also called: Inherited retinal dystrophy. Identifiers: Orphanet 71862, MedGen C0854723, MeSH D058499, MONDO:0019118, HP:0000556.

Allele frequency attached by ClinVar (database versions not stated): gnomAD exomes 0.00001.
gnomAD v4.1: 7 of 1,614,040 alleles (0.00043%); highest among the groups gnomAD compares: East Asian, 0.016%; no homozygotes.

Submissions (3):

3billion
Classification: Uncertain significance for CRB1-related disorder. Last evaluated: 2025-11-26. Review status: criteria provided, single submitter. Criteria: ACMG Guidelines, 2015. Collection method: clinical testing. Allele origin: germline. Affected: yes.
Comment: The variant is observed at an extremely low frequency in the gnomAD v4.1.0 dataset (total allele frequency: <0.001%). Predicted Consequence/Location: Missense variant In silico tool predictions suggest damaging effect of the variant on gene or gene product [REVEL: 0.95 (>=0.6, sensitivity 0.68 and specificity 0.92); 3Cnet: 0.97 (> 0.75, sensitivity 0.96 and precision 0.92)]. The variant has been reported as of uncertain significance (ClinVar ID: VCV001927623; PMID: 33946315; 3billion dataset). Therefore, this variant is classified as VUS according to the recommendation of ACMG/AMP guideline.

Dept Of Ophthalmology, Nagoya University
Classification: Uncertain significance for Retinal dystrophy. Last evaluated: 2023-10-01. Review status: criteria provided, single submitter. Criteria: Submitter's publication. Collection method: research. Allele origin: germline. Affected: yes.

Labcorp Genetics (formerly Invitae), Labcorp
Classification: Uncertain significance for Leber congenital amaurosis 8; Retinitis pigmentosa 12. Last evaluated: 2022-03-29. Review status: criteria provided, single submitter. Criteria: Invitae Variant Classification Sherloc (09022015). Collection method: clinical testing. Allele origin: germline.
Comment: This sequence change replaces glycine, which is neutral and non-polar, with arginine, which is basic and polar, at codon 253 of the CRB1 protein (p.Gly253Arg). This variant is not present in population databases (gnomAD no frequency). This missense change has been observed in individual(s) with inherited retinal dystrophy (PMID: 33946315). This variant is also known as c.550G>A (p.Gly184Arg ). Advanced modeling of protein sequence and biophysical properties (such as structural, functional, and spatial information, amino acid conservation, physicochemical variation, residue mobility, and thermodynamic stability) performed at Invitae indicates that this missense variant is expected to disrupt CRB1 protein function. Algorithms developed to predict the effect of sequence changes on RNA splicing suggest that this variant may create or strengthen a splice site. In summary, the available evidence is currently insufficient to determine the role of this variant in disease. Therefore, it has been classified as a Variant of Uncertain Significance.

Literature cited by the submitters: PubMed 33946315 (cited by Labcorp Genetics (formerly Invitae), Labcorp).